The following is an entry in ClinVar:

ClinVar aggregate classification (germline): Uncertain significance (1 of 4 stars; one submission).

Submission:

Labcorp Genetics (formerly Invitae), Labcorp
Classification: Uncertain significance. Last evaluated: 2022-07-19. Review status: criteria provided, single submitter. Criteria: Invitae Variant Classification Sherloc (09022015). Collection method: clinical testing. Allele origin: germline.
Comment: In summary, the available evidence is currently insufficient to determine the role of this variant in disease. Therefore, it has been classified as a Variant of Uncertain Significance. Advanced modeling of protein sequence and biophysical properties (such as structural, functional, and spatial information, amino acid conservation, physicochemical variation, residue mobility, and thermodynamic stability) performed at Invitae indicates that this missense variant is not expected to disrupt ARID1A protein function. This variant has not been reported in the literature in individuals affected with ARID1A-related conditions. This variant is not present in population databases (gnomAD no frequency). This sequence change replaces glycine, which is neutral and non-polar, with alanine, which is neutral and non-polar, at codon 326 of the ARID1A protein (p.Gly326Ala).

NM_006015.6(ARID1A):c.977G>C (p.Gly326Ala)

Genes: ARID1A (AT-rich interaction domain 1A; plus strand), LOC129929837 (ATAC-STARR-seq lymphoblastoid silent region 489; plus strand). Cytogenetic location: 1p36.11.
Variant type: single nucleotide variant.
Coding change: c.977G>C on transcript NM_006015.6 (MANE Select); coding-DNA position 977, G replaced by C.
Protein change: p.Gly326Ala; replaces glycine 326 with alanine.
Molecular consequence: missense variant.
Genome position (GRCh38, 1-based): chr1:26,697,380, G>C. VCF-style: chr1-26697380-G-C. GRCh37 (hg19) VCF-style: chr1-27023871-G-C.
Other names: c.977G>C, p.Gly326Ala (NM_139135.4); short protein forms G326A.
Identifiers: ClinVar variation 2074797 (VCV002074797.4), dbSNP rs1421209084, ClinGen allele CA339266924.